The following is an entry in ClinVar:

ClinVar aggregate classification (germline): Conflicting classifications of pathogenicity. Review status: criteria provided, conflicting classifications (1 of 4 stars). 2 submissions from 2 submitters: Uncertain significance (1); Likely benign (1). Last evaluated 2022-12-06.

Conditions:
FG syndrome (FGS). Identifiers: MedGen C0220769, MONDO:0002010.

Allele frequency attached by ClinVar (database versions not stated): gnomAD exomes below 0.00001; TOPMed below 0.00001; gnomAD 0.00001.
gnomAD v4.1: 4 of 1,209,840 alleles (0.00033%); highest among the groups gnomAD compares: Admixed American, 0.0022%; no homozygotes.

Submissions (2):

Labcorp Genetics (formerly Invitae), Labcorp
Classification: Likely benign for FG syndrome. Last evaluated: 2022-12-06. Review status: criteria provided, single submitter. Criteria: Invitae Variant Classification Sherloc (09022015). Collection method: clinical testing. Allele origin: germline.

GeneDx
Classification: Uncertain significance. Last evaluated: 2022-07-25. Review status: criteria provided, single submitter. Criteria: GeneDx Variant Classification Process June 2021. Collection method: clinical testing. Allele origin: germline. Affected: yes.
Comment: Not observed at significant frequency in large population cohorts (gnomAD); In silico analysis supports that this missense variant has a deleterious effect on protein structure/function; Has not been previously published as pathogenic or benign to our knowledge

NM_005120.3(MED12):c.641G>A (p.Gly214Asp)

Gene: MED12 (mediator complex subunit 12; plus strand). Cytogenetic location: Xq13.1.
Variant type: single nucleotide variant.
Coding change: c.641G>A on transcript NM_005120.3 (MANE Select); coding-DNA position 641, G replaced by A.
Protein change: p.Gly214Asp; replaces glycine 214 with aspartic acid.
Molecular consequence: missense variant.
Genome position (GRCh38, 1-based): chrX:71,121,058, G>A. VCF-style: chrX-71121058-G-A. GRCh37 (hg19) VCF-style: chrX-70340908-G-A.
Other names: c.641G>A (NM_005120.2); short protein forms G214D.
Identifiers: ClinVar variation 2001107 (VCV002001107.9), dbSNP rs1261616099, ClinGen allele CA413500760.